The following is an entry in ClinVar:

NM_006389.5(HYOU1):c.932G>A (p.Arg311His)

Gene: HYOU1 (hypoxia up-regulated 1; minus strand). Cytogenetic location: 11q23.3.
Variant type: single nucleotide variant.
Coding change: c.932G>A on transcript NM_006389.5 (MANE Select); coding-DNA position 932, G replaced by A.
Protein change: p.Arg311His; replaces arginine 311 with histidine.
Molecular consequence: missense variant.
Genome position (GRCh38, 1-based): chr11:119,052,692, C>T on the plus strand (G>A on the coding strand, the complement: HYOU1 is on the minus strand). VCF-style: chr11-119052692-C-T. GRCh37 (hg19) VCF-style: chr11-118923404-C-T.
Other names: c.932G>A (NM_006389.3); c.932G>A, p.Arg311His (NM_001130991.3, NM_001411041.1); short protein forms R311H.
Identifiers: ClinVar variation 1923423 (VCV001923423.6), dbSNP rs781887339, ClinGen allele CA229623577.

ClinVar aggregate classification (germline): Uncertain significance. Review status: criteria provided, multiple submitters, no conflicts (2 of 4 stars). 2 submissions from 2 submitters: Uncertain significance (2). Last evaluated 2025-08-26.

Allele frequency attached by ClinVar (database versions not stated): TOPMed 0.00002; gnomAD 0.00003.
gnomAD v4.1: 73 of 1,614,078 alleles (0.0045%); highest among the groups gnomAD compares: Middle Eastern, 0.033%; no homozygotes.

Submissions (2):

Ambry Genetics
Classification: Uncertain significance. Last evaluated: 2025-08-26. Review status: criteria provided, single submitter. Criteria: Ambry Variant Classification Scheme 2023. Collection method: clinical testing. Allele origin: germline.

Labcorp Genetics (formerly Invitae), Labcorp
Classification: Uncertain significance. Last evaluated: 2024-07-08. Review status: criteria provided, single submitter. Criteria: Invitae Variant Classification Sherloc (09022015). Collection method: clinical testing. Allele origin: germline.
Comment: This sequence change replaces arginine, which is basic and polar, with histidine, which is basic and polar, at codon 311 of the HYOU1 protein (p.Arg311His). This variant is present in population databases (rs781887339, gnomAD 0.03%). This variant has not been reported in the literature in individuals affected with HYOU1-related conditions. ClinVar contains an entry for this variant (Variation ID: 1923423). An algorithm developed to predict the effect of missense changes on protein structure and function (PolyPhen-2) suggests that this variant is likely to be disruptive. In summary, the available evidence is currently insufficient to determine the role of this variant in disease. Therefore, it has been classified as a Variant of Uncertain Significance.